The following is an entry in ClinVar:

ClinVar aggregate classification (germline): Uncertain significance. Review status: criteria provided, multiple submitters, no conflicts (2 of 4 stars). 2 submissions from 2 submitters: Uncertain significance (2). Last evaluated 2025-05-14.

Conditions:
Inborn genetic diseases. Identifiers: MedGen C0950123, MeSH D030342.
Primary ciliary dyskinesia 30. Also called: CILIARY DYSKINESIA, PRIMARY, 30, WITH OR WITHOUT SITUS INVERSUS. Identifiers: Orphanet 244, MedGen C4015016, MONDO:0014465, OMIM 616037.

Allele frequency attached by ClinVar (database versions not stated): ExAC 0.00001; gnomAD 0.00002; gnomAD exomes 0.00002 and 0.00005.
gnomAD v4.1: 77 of 1,613,834 alleles (0.0048%); highest among the groups gnomAD compares: Non-Finnish European, 0.0062%; no homozygotes.

Submissions (2):

Ambry Genetics
Classification: Uncertain significance for Inborn genetic diseases. Last evaluated: 2025-05-14. Review status: criteria provided, single submitter. Criteria: Ambry Variant Classification Scheme 2023. Collection method: clinical testing. Allele origin: germline.

Labcorp Genetics (formerly Invitae), Labcorp
Classification: Uncertain significance for Primary ciliary dyskinesia 30. Last evaluated: 2021-09-30. Review status: criteria provided, single submitter. Criteria: Invitae Variant Classification Sherloc (09022015). Collection method: clinical testing. Allele origin: germline.
Comment: This sequence change replaces arginine with cysteine at codon 133 of the CCDC151 protein (p.Arg133Cys). The arginine residue is weakly conserved and there is a large physicochemical difference between arginine and cysteine. This variant is present in population databases (rs780241121, ExAC 0.006%). This variant has not been reported in the literature in individuals affected with CCDC151-related conditions. Algorithms developed to predict the effect of missense changes on protein structure and function are either unavailable or do not agree on the potential impact of this missense change (SIFT: "Deleterious"; PolyPhen-2: "Possibly Damaging"; Align-GVGD: "Class C15"). In summary, the available evidence is currently insufficient to determine the role of this variant in disease. Therefore, it has been classified as a Variant of Uncertain Significance.

NM_145045.5(ODAD3):c.397C>T (p.Arg133Cys)

Gene: ODAD3 (outer dynein arm docking complex subunit 3; minus strand). Cytogenetic location: 19p13.2.
Variant type: single nucleotide variant.
Coding change: c.397C>T on transcript NM_145045.5 (MANE Select); coding-DNA position 397, C replaced by T.
Protein change: p.Arg133Cys; replaces arginine 133 with cysteine.
Molecular consequence: missense variant. On other transcripts: intron variant (1).
Genome position (GRCh38, 1-based): chr19:11,430,746, G>A on the plus strand (C>T on the coding strand, the complement: ODAD3 is on the minus strand). VCF-style: chr19-11430746-G-A. GRCh37 (hg19) VCF-style: chr19-11541566-G-A.
Other names: c.235C>T, p.Arg79Cys (NM_001302453.1); c.366+153C>T (NM_001302454.2); c.397C>T (NM_145045.4); short protein forms R133C, R79C.
Identifiers: ClinVar variation 1682788 (VCV001682788.7), dbSNP rs780241121, ClinGen allele CA9212421.